The following is an entry in ClinVar:

ClinVar aggregate classification (germline): Uncertain significance (1 of 4 stars; one submission).

Conditions:
DLG4-related disorder. Also called: DLG4-related condition.

Submission:

PreventionGenetics, part of Exact Sciences
Classification: Uncertain significance for DLG4-related condition. Last evaluated: 2026-03-08. Review status: criteria provided, single submitter. Criteria: ACMG Guidelines, 2015. Collection method: clinical testing. Allele origin: germline.
Comment: The DLG4 c.2032G>A variant is predicted to result in the amino acid substitution p.Val678Met. To our knowledge, this variant has not been reported in the literature or in a large population database (gnomAD), indicating this variant is rare. At this time, the clinical significance of this variant is uncertain due to the absence of conclusive functional and genetic evidence.

NM_001321075.3(DLG4):c.1903G>A (p.Val635Met)

Gene: DLG4 (discs large MAGUK scaffold protein 4; minus strand). Cytogenetic location: 17p13.1.
Variant type: single nucleotide variant.
Coding change: c.1903G>A on transcript NM_001321075.3 (MANE Select); coding-DNA position 1903, G replaced by A.
Protein change: p.Val635Met; replaces valine 635 with methionine.
Molecular consequence: missense variant.
Genome position (GRCh38, 1-based): chr17:7,191,966, C>T on the plus strand (G>A on the coding strand, the complement: DLG4 is on the minus strand). VCF-style: chr17-7191966-C-T. GRCh37 (hg19) VCF-style: chr17-7095285-C-T.
Other names: c.1723G>A, p.Val575Met (NM_001321076.3, NM_001321077.3); c.2032G>A, p.Val678Met (NM_001365.5); c.1822G>A, p.Val608Met (NM_001369566.3); c.1894G>A, p.Val632Met (NM_001128827.4); c.2023G>A, p.Val675Met (NM_001321074.1); short protein forms V608M, V678M, V675M, V575M, V632M, V635M.
Identifiers: ClinVar variation 4992396 (VCV004992396.1).